The following is an entry in ClinVar:

NM_001267550.2(TTN):c.53843C>A (p.Pro17948Gln)

Genes: TTN (titin; minus strand), TTN-AS1 (TTN antisense RNA 1; plus strand). Cytogenetic location: 2q31.2.
Variant type: single nucleotide variant.
Coding change: c.53843C>A on transcript NM_001267550.2 (MANE Select); coding-DNA position 53843, C replaced by A.
Protein change: p.Pro17948Gln; replaces proline 17948 with glutamine.
Molecular consequence: missense variant.
Genome position (GRCh38, 1-based): chr2:178,605,452, G>T on the plus strand (C>A on the coding strand, the complement: TTN is on the minus strand). VCF-style: chr2-178605452-G-T. GRCh37 (hg19) VCF-style: chr2-179470179-G-T.
Other names: c.48920C>A, p.Pro16307Gln (NM_001256850.1); c.26648C>A, p.Pro8883Gln (NM_003319.4); c.46139C>A, p.Pro15380Gln (NM_133378.4); c.27023C>A, p.Pro9008Gln (NM_133432.3); c.27224C>A, p.Pro9075Gln (NM_133437.4); short protein forms P15380Q, P16307Q, P17948Q, P8883Q, P9008Q, P9075Q.
Identifiers: ClinVar variation 4534400 (VCV004534400.6).
Genomic context (GRCh38, chr2:178,605,452, plus strand): 5'-TTATTATATTCAGATTCCGCACCTTCATCATCTTGTATGACTACATTAAGAGGTAGGGAT[G>T]GTTCACTTTCACCAATTTCATTGACAGCTTTGACACGGAACTCATACATTTGGTGTTCAT-3'
Protein context (NP_001254479.2, residues 17938-17958): KAVNEIGESE[Pro17948Gln]SLPLNVVIQD

ClinVar aggregate classification (germline): Uncertain significance (1 of 4 stars; one submission).

gnomAD v4.1: 4 of 1,610,246 alleles (0.00025%); highest among the groups gnomAD compares: Middle Eastern, 0.017%; no homozygotes.

Submission:

CeGaT Center for Human Genetics Tuebingen
Classification: Uncertain significance. Last evaluated: 2025-10-01. Review status: criteria provided, single submitter. Criteria: CeGaT Center For Human Genetics Tuebingen Variant Classification Criteria Version 2. Collection method: clinical testing. Allele origin: germline. Affected: yes. Observed: 1 variant allele.
Comment: TTN: PM2